The following is an entry in ClinVar:

ClinVar aggregate classification (germline): Uncertain significance (1 of 4 stars; one submission).

Submission:

Ambry Genetics
Classification: Uncertain significance. Last evaluated: 2024-01-24. Review status: criteria provided, single submitter. Criteria: Ambry Variant Classification Scheme 2023. Collection method: clinical testing. Allele origin: germline.
Comment: The c.709C>T (p.H237Y) alteration is located in exon (coding exon ) of the SH3RF3 gene. This alteration results from a C to T substitution at nucleotide position 709, causing the histidine (H) at amino acid position 237 to be replaced by a tyrosine (Y). Based on insufficient or conflicting evidence, the clinical significance of this alteration remains unclear.

NM_001099289.3(SH3RF3):c.709C>T (p.His237Tyr)

Genes: RANBP2 (RAN binding protein 2; plus strand), SH3RF3 (SH3 domain containing ring finger 3; plus strand). Cytogenetic location: 2q13.
Variant type: single nucleotide variant.
Coding change: c.709C>T on transcript NM_001099289.3 (MANE Select); coding-DNA position 709, C replaced by T.
Protein change: p.His237Tyr; replaces histidine 237 with tyrosine.
Molecular consequence: missense variant.
Genome position (GRCh38, 1-based): chr2:109,347,809, C>T. VCF-style: chr2-109347809-C-T. GRCh37 (hg19) VCF-style: chr2-109964265-C-T.
Other names: short protein forms H237Y.
Identifiers: ClinVar variation 3161425 (VCV003161425.1), dbSNP rs2466845539, ClinGen allele CA348047375.